The following is an entry in ClinVar:

ClinVar aggregate classification (germline): Uncertain significance (1 of 4 stars; one submission).

Allele frequency attached by ClinVar (database versions not stated): gnomAD exomes below 0.00001; gnomAD 0.00001; TOPMed 0.00001.
gnomAD v4.1: 3 of 1,613,018 alleles (0.00019%); highest among the groups gnomAD compares: Non-Finnish European, 0.00025%; no homozygotes.

Submission:

GeneDx
Classification: Uncertain significance. Last evaluated: 2022-11-25. Review status: criteria provided, single submitter. Criteria: GeneDx Variant Classification Process June 2021. Collection method: clinical testing. Allele origin: germline. Affected: yes.
Comment: Not observed at significant frequency in large population cohorts (gnomAD); In silico analysis supports that this missense variant does not alter protein structure/function; Has not been previously published as pathogenic or benign to our knowledge

NM_031443.4(CCM2):c.1272G>A (p.Met424Ile)

Gene: CCM2 (CCM2 scaffold protein; plus strand). Cytogenetic location: 7p13.
Variant type: single nucleotide variant.
Coding change: c.1272G>A on transcript NM_031443.4 (MANE Select); coding-DNA position 1272, G replaced by A.
Protein change: p.Met424Ile; replaces methionine 424 with isoleucine.
Molecular consequence: missense variant. On other transcripts: non-coding transcript variant (1).
Genome position (GRCh38, 1-based): chr7:45,075,994, G>A. VCF-style: chr7-45075994-G-A. GRCh37 (hg19) VCF-style: chr7-45115593-G-A.
Other names: c.1335G>A, p.Met445Ile (NM_001029835.2); c.1098G>A, p.Met366Ile (NM_001167934.2); c.999G>A, p.Met333Ile (NM_001167935.2); c.1395G>A, p.Met465Ile (NM_001363458.2); c.1221G>A, p.Met407Ile (NM_001363459.2); short protein forms M333I, M366I, M407I, M424I, M445I, M465I.
Identifiers: ClinVar variation 2503149 (VCV002503149.1), dbSNP rs1279003303, ClinGen allele CA367431963.